The following is an entry in ClinVar:

ClinVar aggregate classification (germline): Uncertain significance (1 of 4 stars; one submission).

Conditions:
Emery-Dreifuss muscular dystrophy 5, autosomal dominant (EDMD5). Also called: EMERY-DREIFUSS MUSCULAR DYSTROPHY 5. Identifiers: Orphanet 261, MedGen C2751805, MONDO:0013072, OMIM 612999.

Submission:

Labcorp Genetics (formerly Invitae), Labcorp
Classification: Uncertain significance for Emery-Dreifuss muscular dystrophy 5, autosomal dominant. Last evaluated: 2022-06-20. Review status: criteria provided, single submitter. Criteria: Invitae Variant Classification Sherloc (09022015). Collection method: clinical testing. Allele origin: germline.
Comment: In summary, the available evidence is currently insufficient to determine the role of this variant in disease. Therefore, it has been classified as a Variant of Uncertain Significance. Algorithms developed to predict the effect of missense changes on protein structure and function are either unavailable or do not agree on the potential impact of this missense change (SIFT: "Tolerated"; PolyPhen-2: "Probably Damaging"; Align-GVGD: "Class C0"). ClinVar contains an entry for this variant (Variation ID: 1035192). This variant has not been reported in the literature in individuals affected with SYNE2-related conditions. This variant is not present in population databases (gnomAD no frequency). This sequence change replaces isoleucine, which is neutral and non-polar, with leucine, which is neutral and non-polar, at codon 1026 of the SYNE2 protein (p.Ile1026Leu).

NM_182914.3(SYNE2):c.3076A>T (p.Ile1026Leu)

Gene: SYNE2 (spectrin repeat containing nuclear envelope protein 2; plus strand). Cytogenetic location: 14q23.2.
Variant type: single nucleotide variant.
Coding change: c.3076A>T on transcript NM_182914.3 (MANE Select); coding-DNA position 3076, A replaced by T.
Protein change: p.Ile1026Leu; replaces isoleucine 1026 with leucine.
Molecular consequence: missense variant.
Genome position (GRCh38, 1-based): chr14:63,997,082, A>T. VCF-style: chr14-63997082-A-T. GRCh37 (hg19) VCF-style: chr14-64463800-A-T.
Other names: c.3076A>T, p.Ile1026Leu (NM_015180.6); short protein forms I1026L.
Identifiers: ClinVar variation 1035192 (VCV001035192.8), dbSNP rs1395621217, ClinGen allele CA389988003.